The following is an entry in ClinVar:

ClinVar aggregate classification (germline): Conflicting classifications of pathogenicity. Review status: criteria provided, conflicting classifications (1 of 4 stars). 2 submissions from 2 submitters: Uncertain significance (1); Likely benign (1). Last evaluated 2025-08-27.

Conditions:
Hereditary cancer-predisposing syndrome. Also called: Tumor predisposition; Neoplastic Syndromes, Hereditary; Hereditary Cancer Syndrome; Hereditary neoplastic syndrome. Identifiers: Orphanet 140162, MedGen C0027672, MeSH D009386, MONDO:0015356.
Tumor predisposition syndrome 3 (TPDS3). Also called: Melanoma, cutaneous malignant, susceptibility to, 10; Glioma susceptibility 9; LONG TELOMERE SYNDROME, POT1-RELATED; POT1 Tumor Predisposition. Identifiers: Orphanet 618, MedGen C4014476, MONDO:0014368, OMIM 615848.

gnomAD v4.1: 2 of 1,596,572 alleles (0.00013%); highest among the groups gnomAD compares: Non-Finnish European, 0.00017%; no homozygotes.

Submissions (2):

Ambry Genetics
Classification: Likely benign for Hereditary cancer-predisposing syndrome. Last evaluated: 2025-08-27. Review status: criteria provided, single submitter. Criteria: Ambry Variant Classification Scheme 2023. Collection method: clinical testing. Allele origin: germline.

Labcorp Genetics (formerly Invitae), Labcorp
Classification: Uncertain significance for Tumor predisposition syndrome 3. Last evaluated: 2022-12-03. Review status: criteria provided, single submitter. Criteria: Invitae Variant Classification Sherloc (09022015). Collection method: clinical testing. Allele origin: germline.
Comment: In summary, the available evidence is currently insufficient to determine the role of this variant in disease. Therefore, it has been classified as a Variant of Uncertain Significance. Algorithms developed to predict the effect of missense changes on protein structure and function (SIFT, PolyPhen-2, Align-GVGD) all suggest that this variant is likely to be tolerated. ClinVar contains an entry for this variant (Variation ID: 655723). This variant has not been reported in the literature in individuals affected with POT1-related conditions. This variant is not present in population databases (gnomAD no frequency). This sequence change replaces serine, which is neutral and polar, with glycine, which is neutral and non-polar, at codon 317 of the POT1 protein (p.Ser317Gly).

NM_015450.3(POT1):c.949A>G (p.Ser317Gly)

Gene: POT1 (protection of telomeres 1; minus strand). Cytogenetic location: 7q31.33.
Variant type: single nucleotide variant.
Coding change: c.949A>G on transcript NM_015450.3 (MANE Select); coding-DNA position 949, A replaced by G.
Protein change: p.Ser317Gly; replaces serine 317 with glycine.
Molecular consequence: missense variant. On other transcripts: non-coding transcript variant (3).
Genome position (GRCh38, 1-based): chr7:124,851,872, T>C on the plus strand (A>G on the coding strand, the complement: POT1 is on the minus strand). VCF-style: chr7-124851872-T-C. GRCh37 (hg19) VCF-style: chr7-124491926-T-C.
Other names: c.556A>G, p.Ser186Gly (NM_001042594.2); short protein forms S186G, S317G.
Identifiers: ClinVar variation 655723 (VCV000655723.12), dbSNP rs1554423487, ClinGen allele CA369054234.
Genomic context (GRCh38, chr7:124,851,872, plus strand): 5'-GTTGATAAAACTATTTTATTTAGCAAGAACTAAACTGTCAATGTTAAAGATTATCCTTAC[T>C]TGGAAAGCTGTCGTCAGGTTCTGATTGACAGATAACATCTGAATGCTGATTGGCTGTCAA-3'
Protein context (NP_056265.2, residues 307-327): CQSEPDDSFP[Ser317Gly]SGSVSLYEVE